The following is an entry in ClinVar:

ClinVar aggregate classification (germline): Benign (1 of 4 stars; one submission).

Conditions:
Familial cancer of breast. Also called: hereditary breast carcinoma; Hereditary breast cancer; BREAST CANCER, FAMILIAL. Identifiers: Orphanet 227535, MedGen C0346153, MONDO:0016419, OMIM 114480. Disease mechanism: loss of function.

Submission:

Myriad Genetics, Inc.
Classification: Benign for Familial cancer of breast. Last evaluated: 2024-07-24. Review status: criteria provided, single submitter. Criteria: Myriad Autosomal Dominant, Autosomal Recessive and X-Linked Classification Criteria (2023). Collection method: clinical testing. Allele origin: unknown.
Comment: This variant is considered benign. This variant is a silent/synonymous amino acid change and it is not expected to impact splicing.

NM_000465.4(BARD1):c.1152C>A (p.Ser384=)

Gene: BARD1 (BRCA1 associated RING domain 1; minus strand). Cytogenetic location: 2q35.
Variant type: single nucleotide variant.
Coding change: c.1152C>A on transcript NM_000465.4 (MANE Select); coding-DNA position 1152, C replaced by A.
Protein change: p.Ser384=; no amino-acid change (serine 384 retained).
Molecular consequence: synonymous variant. On other transcripts: non-coding transcript variant (2), intron variant (3).
Genome position (GRCh38, 1-based): chr2:214,780,722, G>T on the plus strand (C>A on the coding strand, the complement: BARD1 is on the minus strand). VCF-style: chr2-214780722-G-T. GRCh37 (hg19) VCF-style: chr2-215645446-G-T.
Other names: c.1095C>A, p.Ser365= (NM_001282543.2); c.159-28167C>A (NM_001282548.2); c.215+16339C>A (NM_001282545.2); c.364+11575C>A (NM_001282549.2).
Identifiers: ClinVar variation 3378442 (VCV003378442.1).